The following is an entry in ClinVar:

NM_147127.5(EVC2):c.1195C>T (p.Arg399Ter)

Genes: EVC2 (EvC ciliary complex subunit 2; minus strand), LOC126806961 (BRD4-independent group 4 enhancer GRCh37_chr4:5641443-5642642; plus strand). Cytogenetic location: 4p16.2.
Variant type: single nucleotide variant.
Coding change: c.1195C>T on transcript NM_147127.5 (MANE Select); coding-DNA position 1195, C replaced by T.
Protein change: p.Arg399Ter; replaces arginine 399 with a stop codon.
Molecular consequence: nonsense.
Genome position (GRCh38, 1-based): chr4:5,640,789, G>A on the plus strand (C>T on the coding strand, the complement: EVC2 is on the minus strand). VCF-style: chr4-5640789-G-A. GRCh37 (hg19) VCF-style: chr4-5642516-G-A.
Other names: c.955C>T, p.Arg319Ter (NM_001166136.2); short protein forms R399*, R319*.
Identifiers: ClinVar variation 3383 (VCV000003383.30), dbSNP rs137852924, ClinGen allele CA116164.
Genomic context (GRCh38, chr4:5,640,789, plus strand): 5'-GGCCACTGCTGGTGAGATTTTTCAGCAGAAGGGCAATGATATCCTTGCTGATTTGTGTTC[G>A]ACAAGCCTCCAGATCTGCATCTGCCCGATTCAGGGTTGCAATCTCCAACCTAGGAAACAC-3'

ClinVar aggregate classification (germline): Pathogenic. Review status: criteria provided, multiple submitters, no conflicts (2 of 4 stars). 16 submissions from 14 submitters: Pathogenic (8). 8 of the submissions do not count toward it. Last evaluated 2026-02-01.

Conditions:
EVC2-related disorders.
Curry-Hall syndrome (WAD). Also called: WEYERS ACRODENTAL DYSOSTOSIS. Identifiers: Orphanet 952, MedGen C0457013, MONDO:0008673, OMIM 193530.
Ellis-van Creveld syndrome (EVC). Also called: Chondroectodermal dysplasia; MESOECTODERMAL DYSPLASIA. Identifiers: Orphanet 289, MedGen C0013903, MONDO:0009162, OMIM 225500.
Short-rib thoracic dysplasia 6 with or without polydactyly (SRTD6). Also called: SHORT-RIB THORACIC DYSPLASIA 6 WITH POLYDACTYLY; SHORT-RIB THORACIC DYSPLASIA 6 WITHOUT POLYDACTYLY; POLYDACTYLY WITH NEONATAL CHONDRODYSTROPHY, TYPE II; SHORT RIB-POLYDACTYLY SYNDROME, TYPE IIA; Majewski Syndrome. Identifiers: MedGen C0024507, MONDO:0009894, OMIM 263520.

Allele frequency attached by ClinVar (database versions not stated): TOPMed 0.00002; ExAC 0.00003; gnomAD 0.00003 and 0.00004; gnomAD exomes 0.00005; 1000 Genomes Project 30x 0.00016; 1000 Genomes Project 0.00020.

Submissions (16):

Labcorp Genetics (formerly Invitae), Labcorp
Classification: Pathogenic for Curry-Hall syndrome; Ellis-van Creveld syndrome. Last evaluated: 2026-02-01. Review status: criteria provided, single submitter. Criteria: Invitae Variant Classification Sherloc (09022015). Collection method: clinical testing. Allele origin: germline.
Comment: This sequence change creates a premature translational stop signal (p.Arg399*) in the EVC2 gene. It is expected to result in an absent or disrupted protein product. Loss-of-function variants in EVC2 are known to be pathogenic (PMID: 17024374, 19810119, 19876929). This variant is present in population databases (rs137852924, gnomAD 0.01%). This premature translational stop signal has been observed in individual(s) with Ellis-van Creveld syndrome (PMID: 12571802, 21199751, 23026208). It has also been observed to segregate with disease in related individuals. ClinVar contains an entry for this variant (Variation ID: 3383). For these reasons, this variant has been classified as Pathogenic.

ARUP Laboratories, Molecular Genetics and Genomics, ARUP Laboratories
Classification: Pathogenic. Last evaluated: 2024-11-11. Review status: criteria provided, single submitter. Criteria: ARUP Molecular Germline Variant Investigation Process 2024. Collection method: clinical testing. Allele origin: germline.
Comment: The EVC2 c.1195C>T; p.Arg399Ter variant (rs137852924, ClinVar Variation ID: 3383) is reported in the literature in individuals who also carry a pathogenic variant in trans with Ellis-Van Creveld syndrome, (Chen 2010, Leon-Madero 2024, Lv 2021, Ruiz-Perez 2003). This variant is found in the general population with an overall allele frequency of 0.005% (14/282,708 alleles) in the Genome Aggregation Database (v2.1.1). This variant induces an early termination codon and is predicted to result in a truncated protein or mRNA subject to nonsense-mediated decay. Based on available information, this variant is considered to be pathogenic. References: Chen CP et al. Ellis-van Creveld syndrome: prenatal diagnosis, molecular analysis and genetic counseling. Taiwan J Obstet Gynecol. 2010 Dec;49(4):481-6. PMID: 21199751. LeÃ³n-Madero LF et al. Mexican patient with Ellis-van Creveld syndrome and cleft palate: Importance of functional hemizygosity and phenotype expansion. Mol Genet Genomic Med. 2024 May;12(5):e2451. PMID: 38760995. Lv S et al. Genetics Evaluation of Targeted Exome Sequencing in 223 Chinese Probands With Genetic Skeletal Dysplasias. Front Cell Dev Biol. 2021 Sep 7;9:715042. PMID: 34557487. Ruiz-Perez VL et al. Mutations in two nonhomologous genes in a head-to-head configuration cause Ellis-van Creveld syndrome. Am J Hum Genet. 2003 Mar;72(3):728-32. PMID: 12571802.

Blueprint Genetics
Classification: Pathogenic for EVC2-related disorders. Last evaluated: 2023-08-03. Review status: criteria provided, single submitter. Criteria: ACMG Guidelines, 2015. Collection method: clinical testing. Allele origin: germline. Affected: yes. Observed: 4 variant alleles.

GeneDx
Classification: Pathogenic. Last evaluated: 2021-07-22. Review status: criteria provided, single submitter. Criteria: GeneDx Variant Classification Process June 2021. Collection method: clinical testing. Allele origin: germline. Affected: yes.
Comment: Nonsense variant predicted to result in protein truncation or nonsense mediated decay in a gene for which loss-of-function is a known mechanism of disease; This variant is associated with the following publications: (PMID: 33452237, 29068549, 21199751, 23276573, 12571802, 17024374, 23026208, 25525159)

AiLife Diagnostics
Classification: Pathogenic. Last evaluated: 2021-05-22. Review status: criteria provided, single submitter. Criteria: ACMG Guidelines, 2015. Collection method: clinical testing. Allele origin: germline. Affected: yes. Observed: 1 variant allele.

Fulgent Genetics
Classification: Pathogenic for Curry-Hall syndrome; Ellis-van Creveld syndrome. Last evaluated: 2018-10-31. Review status: criteria provided, single submitter. Criteria: ACMG Guidelines, 2015. Collection method: clinical testing. Allele origin: unknown.

Eurofins Ntd Llc (ga)
Classification: Pathogenic. Last evaluated: 2018-01-25. Review status: criteria provided, single submitter. Criteria: EGL Classification Definitions 2015. Collection method: clinical testing. Allele origin: germline. Observed: 1 variant allele, 1 heterozygote.

Juno Genomics, Hangzhou Juno Genomics, Inc
Classification: Pathogenic for Ellis-van Creveld syndrome. Review status: criteria provided, single submitter. Criteria: ACMG Guidelines, 2015. Collection method: clinical testing. Allele origin: germline. Affected: yes.
Comment: Absent from controls (or at extremely low frequency if recessive) in Genome Aggregation Database, Exome Sequencing Project, 1000 Genomes Project, or Exome Aggregation Consortium.;Null variant in a gene where loss of function (LOF) is a known mechanism of disease.;For recessive disorders, detected in trans with a pathogenic variant.

Medical Genetics Center, Maternal and Child Health Hospital of Hubei Province
Classification: Pathogenic for Ellis-van Creveld syndrome. Last evaluated: 2026-05-14. Review status: no assertion criteria provided. Collection method: clinical testing. Allele origin: maternal. Affected: yes. Not counted in ClinVar's aggregate classification.
Comment: PVS1+PM2_Supporting+PM3_Strong

Dan Cohn Lab, University Of California Los Angeles
Classification: Pathogenic for Short-rib thoracic dysplasia 6 with or without polydactyly. Last evaluated: 2017-06-01. Review status: no assertion criteria provided. Collection method: research. Allele origin: unknown. Affected: yes. Not counted in ClinVar's aggregate classification.

Dan Cohn Lab, University Of California Los Angeles
Classification: Pathogenic for Ellis-van Creveld Syndrome. Last evaluated: 2017-06-01. Review status: no assertion criteria provided. Collection method: research. Allele origin: biparental. Affected: yes. Not counted in ClinVar's aggregate classification.

Counsyl
Classification: Pathogenic for Ellis-van Creveld syndrome. Last evaluated: 2017-05-08. Review status: no assertion criteria provided. Collection method: clinical testing. Allele origin: unknown. Not counted in ClinVar's aggregate classification.

OMIM
Classification: Pathogenic for ELLIS-VAN CREVELD SYNDROME. Last evaluated: 2003-03-01. Review status: no assertion criteria provided. Collection method: literature only. Allele origin: germline. Not counted in ClinVar's aggregate classification.

Prenatal Diagnosis Center, International Peace Maternity & Child Health Hospital
Classification: Pathogenic for Ellis-van Creveld syndrome. Review status: no assertion criteria provided. Collection method: literature only. Allele origin: paternal. Not counted in ClinVar's aggregate classification.

University of Washington Center for Mendelian Genomics, University of Washington
Classification: Likely pathogenic for Ellis van Creveld syndrome. Review status: no assertion criteria provided. Collection method: research. Allele origin: inherited. Affected: yes. Not counted in ClinVar's aggregate classification.

University of Washington Center for Mendelian Genomics, University of Washington
Classification: Likely pathogenic for short-rib polydactyly syndrome type II. Review status: no assertion criteria provided. Collection method: research. Allele origin: inherited. Affected: yes. Not counted in ClinVar's aggregate classification.

Literature cited by the submitters: PubMed 17024374 (cited by Labcorp Genetics (formerly Invitae), Labcorp); PubMed 19810119 (cited by Labcorp Genetics (formerly Invitae), Labcorp); PubMed 19876929 (cited by Labcorp Genetics (formerly Invitae), Labcorp); PubMed 12571802 (cited by 5 submitters); PubMed 21199751 (cited by 4 submitters); PubMed 23026208 (cited by Labcorp Genetics (formerly Invitae), Labcorp); PubMed 25525159 (cited by AiLife Diagnostics); PubMed 29068549 (cited by 3 submitters); PubMed 22190900 (cited by Counsyl); PubMed 35927022 (cited by Prenatal Diagnosis Center, International Peace Maternity & Child Health Hospital).